The following is an entry in ClinVar:

ClinVar aggregate classification (germline): Uncertain significance (1 of 4 stars; one submission).

Conditions:
Fanconi anemia (FA). Also called: Fanconi's anemia. Identifiers: Orphanet 84, MedGen C0015625, MeSH D005199, MONDO:0019391.

Submission:

Labcorp Genetics (formerly Invitae), Labcorp
Classification: Uncertain significance for Fanconi anemia. Last evaluated: 2020-08-24. Review status: criteria provided, single submitter. Criteria: Invitae Variant Classification Sherloc (09022015). Collection method: clinical testing. Allele origin: germline.
Comment: In summary, the available evidence is currently insufficient to determine the role of this variant in disease. Therefore, it has been classified as a Variant of Uncertain Significance. Algorithms developed to predict the effect of missense changes on protein structure and function are either unavailable or do not agree on the potential impact of this missense change (SIFT: "Deleterious"; PolyPhen-2: "Probably Damaging"; Align-GVGD: "Class C0"). This variant has not been reported in the literature in individuals with SLX4-related conditions. This variant is not present in population databases (ExAC no frequency). This sequence change replaces proline with serine at codon 1545 of the SLX4 protein (p.Pro1545Ser). The proline residue is highly conserved and there is a moderate physicochemical difference between proline and serine.

NM_032444.4(SLX4):c.4633C>T (p.Pro1545Ser)

Gene: SLX4 (SLX4 structure-specific endonuclease subunit; minus strand). Cytogenetic location: 16p13.3.
Variant type: single nucleotide variant.
Coding change: c.4633C>T on transcript NM_032444.4 (MANE Select); coding-DNA position 4633, C replaced by T.
Protein change: p.Pro1545Ser; replaces proline 1545 with serine.
Molecular consequence: missense variant.
Genome position (GRCh38, 1-based): chr16:3,589,005, G>A on the plus strand (C>T on the coding strand, the complement: SLX4 is on the minus strand). VCF-style: chr16-3589005-G-A. GRCh37 (hg19) VCF-style: chr16-3639006-G-A.
Other names: short protein forms P1545S.
Identifiers: ClinVar variation 1010943 (VCV001010943.8), dbSNP rs2040539889, ClinGen allele CA394516735.